The following is an entry in ClinVar:

ClinVar aggregate classification (germline): Uncertain significance (1 of 4 stars; one submission).

Allele frequency attached by ClinVar (database versions not stated): ExAC 0.00001.
gnomAD v4.1: 1 of 1,614,116 alleles (0.000062%); highest among the groups gnomAD compares: Admixed American, 0.0017%; no homozygotes.

Submission:

Labcorp Genetics (formerly Invitae), Labcorp
Classification: Uncertain significance. Last evaluated: 2024-01-02. Review status: criteria provided, single submitter. Criteria: Invitae Variant Classification Sherloc (09022015). Collection method: clinical testing. Allele origin: germline.
Comment: This sequence change replaces proline, which is neutral and non-polar, with leucine, which is neutral and non-polar, at codon 524 of the SLC13A3 protein (p.Pro524Leu). This variant is present in population databases (rs763705461, gnomAD 0.003%). This variant has not been reported in the literature in individuals affected with SLC13A3-related conditions. ClinVar contains an entry for this variant (Variation ID: 2418537). Advanced modeling of protein sequence and biophysical properties (such as structural, functional, and spatial information, amino acid conservation, physicochemical variation, residue mobility, and thermodynamic stability) performed at Invitae indicates that this missense variant is expected to disrupt SLC13A3 protein function with a positive predictive value of 80%. In summary, the available evidence is currently insufficient to determine the role of this variant in disease. Therefore, it has been classified as a Variant of Uncertain Significance.

NM_022829.6(SLC13A3):c.1571C>T (p.Pro524Leu)

Gene: SLC13A3 (solute carrier family 13 member 3; minus strand). Cytogenetic location: 20q13.12.
Variant type: single nucleotide variant.
Coding change: c.1571C>T on transcript NM_022829.6 (MANE Select); coding-DNA position 1571, C replaced by T.
Protein change: p.Pro524Leu; replaces proline 524 with leucine.
Molecular consequence: missense variant.
Genome position (GRCh38, 1-based): chr20:46,563,475, G>A on the plus strand (C>T on the coding strand, the complement: SLC13A3 is on the minus strand). VCF-style: chr20-46563475-G-A. GRCh37 (hg19) VCF-style: chr20-45192114-G-A.
Other names: c.1430C>T, p.Pro477Leu (NM_001011554.3); c.1421C>T, p.Pro474Leu (NM_001193339.2); c.1325C>T, p.Pro442Leu (NM_001193340.2); c.1277C>T, p.Pro426Leu (NM_001193342.2); short protein forms P426L, P442L, P474L, P477L, P524L.
Identifiers: ClinVar variation 2418537 (VCV002418537.6), dbSNP rs763705461, ClinGen allele CA9891212.